The following is an entry in ClinVar:

ClinVar aggregate classification (germline): Benign/Likely benign. Review status: criteria provided, multiple submitters, no conflicts (2 of 4 stars). 3 submissions from 3 submitters: Benign (1); Likely benign (2). Last evaluated 2024-04-10.

Conditions:
Hereditary cancer-predisposing syndrome. Also called: Neoplastic Syndromes, Hereditary; Tumor predisposition; Hereditary Cancer Syndrome; Hereditary neoplastic syndrome. Identifiers: Orphanet 140162, MedGen C0027672, MeSH D009386, MONDO:0015356.
Familial adenomatous polyposis 1 (FAP1). Also called: FAMILIAL ADENOMATOUS POLYPOSIS 1, ATTENUATED; POLYPOSIS, ADENOMATOUS INTESTINAL. Identifiers: MedGen C2713442, MONDO:0021056, OMIM 175100. Disease mechanism: loss of function.

Allele frequency attached by ClinVar (database versions not stated): gnomAD exomes below 0.00001; ExAC 0.00001.
gnomAD v4.1: 5 of 1,613,880 alleles (0.00031%); highest among the groups gnomAD compares: Non-Finnish European, 0.00042%; no homozygotes.

Submissions (3):

Myriad Genetics, Inc.
Classification: Benign for Familial adenomatous polyposis 1. Last evaluated: 2024-04-10. Review status: criteria provided, single submitter. Criteria: Myriad Autosomal Dominant, Autosomal Recessive and X-Linked Classification Criteria (2023). Collection method: clinical testing. Allele origin: unknown.
Comment: This variant is considered benign. This variant is a silent/synonymous amino acid change and it is not expected to impact splicing.

Labcorp Genetics (formerly Invitae), Labcorp
Classification: Likely benign for Familial adenomatous polyposis 1. Last evaluated: 2023-11-21. Review status: criteria provided, single submitter. Criteria: Invitae Variant Classification Sherloc (09022015). Collection method: clinical testing. Allele origin: germline.

Ambry Genetics
Classification: Likely benign for Hereditary cancer-predisposing syndrome. Last evaluated: 2022-04-30. Review status: criteria provided, single submitter. Criteria: Ambry Variant Classification Scheme 2023. Collection method: clinical testing. Allele origin: germline.

NM_000038.6(APC):c.7647T>A (p.Arg2549=)

Gene: APC (APC regulator of Wnt signaling pathway; plus strand). Cytogenetic location: 5q22.2.
Variant type: single nucleotide variant.
Coding change: c.7647T>A on transcript NM_000038.6 (MANE Select); coding-DNA position 7647, T replaced by A.
Protein change: p.Arg2549=; no amino-acid change (arginine 2549 retained).
Molecular consequence: synonymous variant. On other transcripts: non-coding transcript variant (2).
Genome position (GRCh38, 1-based): chr5:112,843,241, T>A. VCF-style: chr5-112843241-T-A. GRCh37 (hg19) VCF-style: chr5-112178938-T-A.
Other names: c.7647T>A, p.Arg2549= (NM_001127510.3, NM_001354895.2, NM_001407450.1); c.7593T>A, p.Arg2531= (NM_001127511.3); c.7701T>A, p.Arg2567= (NM_001354896.2, NM_001407447.1, NM_001407448.1 and 1 more transcripts); c.7677T>A, p.Arg2559= (NM_001354897.2); c.7572T>A, p.Arg2524= (NM_001354898.2); c.7563T>A, p.Arg2521= (NM_001354899.2); c.7524T>A, p.Arg2508= (NM_001354900.2); c.7470T>A, p.Arg2490= (NM_001354901.2, NM_001407453.1); and 11 more.
Identifiers: ClinVar variation 1759960 (VCV001759960.6), dbSNP rs748729919, ClinGen allele CA048836.
Genomic context (GRCh38, chr5:112,843,241, plus strand): 5'-ACGGTCTCATTCTGAAAGTCCTTCTAGACTTCCAATCAATAGGTCAGGAACCTGGAAACG[T>A]GAGCACAGCAAACATTCATCATCCCTTCCTCGAGTAAGCACTTGGAGAAGAACTGGAAGT-3'
Protein context (NP_000029.2, residues 2539-2559): LPINRSGTWK[Arg2549=]EHSKHSSSLP